The following is an entry in ClinVar:

ClinVar aggregate classification (germline): Uncertain significance. Review status: criteria provided, single submitter (1 of 4 stars). 2 submissions from 2 submitters: Uncertain significance (1). 1 of the submissions does not count toward it. Last evaluated 2025-07-27.

Conditions:
Costello syndrome (CSTLO). Also called: FACIOCUTANEOSKELETAL SYNDROME; HRAS-Related Costello Syndrome; FCS SYNDROME. Identifiers: Orphanet 3071, MedGen C0587248, MONDO:0009026, OMIM 218040.
HRAS-related disorder. Also called: HRAS-related condition.

Submissions (2):

Labcorp Genetics (formerly Invitae), Labcorp
Classification: Uncertain significance for Costello syndrome. Last evaluated: 2025-07-27. Review status: criteria provided, single submitter. Criteria: Invitae Variant Classification Sherloc (09022015). Collection method: clinical testing. Allele origin: germline.
Comment: This variant, c.179_205dup, results in the insertion of 9 amino acid(s) of the HRAS protein (p.Gly60_Arg68dup), but otherwise preserves the integrity of the reading frame. This variant is not present in population databases (gnomAD no frequency). This variant has been observed in individual(s) with clinical features of Costello syndrome (internal data). ClinVar contains an entry for this variant (Variation ID: 2633786). In summary, the available evidence is currently insufficient to determine the role of this variant in disease. Therefore, it has been classified as a Variant of Uncertain Significance.

PreventionGenetics, part of Exact Sciences
Classification: Likely pathogenic for HRAS-related condition. Last evaluated: 2024-05-20. Review status: no assertion criteria provided. Collection method: clinical testing. Allele origin: germline. Not counted in ClinVar's aggregate classification.
Comment: The HRAS c.179_205dup27 variant is predicted to result in an in-frame duplication (p.Gly60_Arg68dup). To our knowledge, this variant has not been reported in the literature or in a large population database, indicating this variant is rare. Similar inframe duplications (p.Glu62_Arg68dup, p.Glu63_Asp69dup) have been reported in individuals with Costello syndrome with functional studies supporting their pathogenicity (Nagai et al. 2022. PubMed ID: 34618388). Additionally, this duplication overlaps multiple pathogenic missense variants (p.Gly60Asp, p.Gly60Val, p.Glu63Lys) reported in individuals with HRAS-related disease (Gripp et al. 2015. PubMed ID: 25914166; Gripp et al. 2017. PubMed ID: 28139825; van der Burgt et al. 2007. PubMed ID: 17412879). Taken together, this variant is interpreted as likely pathogenic.

NM_005343.4(HRAS):c.179_205dup (p.Arg68_Asp69insGlyGlnGluGluTyrSerAlaMetArg)

Genes: HRAS (HRas proto-oncogene, GTPase; minus strand), LRRC56 (leucine rich repeat containing 56; plus strand). Cytogenetic location: 11p15.5.
Variant type: Duplication.
Coding change: c.179_205dup on transcript NM_005343.4 (MANE Select); coding-DNA positions 179 to 205, 27 bases duplicated (GCCAGGAGGAGTACAGCGCCATGCGGG).
Protein change: p.Arg68_Asp69insGlyGlnGluGluTyrSerAlaMetArg.
Molecular consequence: inframe insertion. On other transcripts: 5 prime UTR variant (1).
Genome position (GRCh38, 1-based): chr11:533,851-533,877, CCCGCATGGCGCTGTACTCCTCCTGGC duplicated on the plus strand (GCCAGGAGGAGTACAGCGCCATGCGGG on the coding strand, the reverse complement: HRAS is on the minus strand); duplicating any 27 consecutive bases within chr11:533,851-533,878 gives the same sequence; the c. name uses the placement nearest the transcript's 3' end. VCF-style (leftmost placement, unchanged base first): chr11-533850-T-TCCCGCATGGCGCTGTACTCCTCCTGGC. GRCh37 (hg19) VCF-style: chr11-533850-T-TCCCGCATGGCGCTGTACTCCTCCTGGC.
Other names: c.179_205dup, p.Arg68_Asp69insGlyGlnGluGluTyrSerAlaMetArg (NM_001130442.3, NM_176795.5); c.-141_-115dup (NM_001318054.2).
Identifiers: ClinVar variation 2633786 (VCV002633786.3), dbSNP rs2539797550, ClinGen allele CA2695201056.